The following is an entry in ClinVar:

ClinVar aggregate classification (germline): Uncertain significance. Review status: criteria provided, multiple submitters, no conflicts (2 of 4 stars). 3 submissions from 3 submitters: Uncertain significance (3). Last evaluated 2024-12-07.

Conditions:
Inborn genetic diseases. Identifiers: MedGen C0950123, MeSH D030342.

Allele frequency attached by ClinVar (database versions not stated): ExAC 0.00004; TOPMed 0.00004; gnomAD exomes 0.00006 and 0.00012; gnomAD 0.00007 and 0.00008; ESP Exome Variant Server 0.00008.
gnomAD v4.1: 175 of 1,613,754 alleles (0.011%); highest among the groups gnomAD compares: Non-Finnish European, 0.015%; no homozygotes.

Submissions (3):

Labcorp Genetics (formerly Invitae), Labcorp
Classification: Uncertain significance. Last evaluated: 2024-12-07. Review status: criteria provided, single submitter. Criteria: Invitae Variant Classification Sherloc (09022015). Collection method: clinical testing. Allele origin: germline.
Comment: This sequence change replaces tyrosine, which is neutral and polar, with cysteine, which is neutral and slightly polar, at codon 539 of the ROBO1 protein (p.Tyr539Cys). This variant is present in population databases (rs374558832, gnomAD 0.01%). This variant has not been reported in the literature in individuals affected with ROBO1-related conditions. ClinVar contains an entry for this variant (Variation ID: 596206). Invitae Evidence Modeling of protein sequence and biophysical properties (such as structural, functional, and spatial information, amino acid conservation, physicochemical variation, residue mobility, and thermodynamic stability) indicates that this missense variant is not expected to disrupt ROBO1 protein function with a negative predictive value of 95%. In summary, the available evidence is currently insufficient to determine the role of this variant in disease. Therefore, it has been classified as a Variant of Uncertain Significance.

Ambry Genetics
Classification: Uncertain significance for Inborn genetic diseases. Last evaluated: 2024-04-04. Review status: criteria provided, single submitter. Criteria: Ambry Variant Classification Scheme 2023. Collection method: clinical testing. Allele origin: germline.

Eurofins Ntd Llc (ga)
Classification: Uncertain significance. Last evaluated: 2018-02-19. Review status: criteria provided, single submitter. Criteria: EGL ClinVar v180209 classification definitions. Collection method: clinical testing. Allele origin: germline. Observed: 1 variant allele, 1 heterozygote.

NM_002941.4(ROBO1):c.1616A>G (p.Tyr539Cys)

Gene: ROBO1 (roundabout guidance receptor 1; minus strand). Cytogenetic location: 3p12.3.
Variant type: single nucleotide variant.
Coding change: c.1616A>G on transcript NM_002941.4 (MANE Select); coding-DNA position 1616, A replaced by G.
Protein change: p.Tyr539Cys; replaces tyrosine 539 with cysteine.
Molecular consequence: missense variant.
Genome position (GRCh38, 1-based): chr3:78,668,498, T>C on the plus strand (A>G on the coding strand, the complement: ROBO1 is on the minus strand). VCF-style: chr3-78668498-T-C. GRCh37 (hg19) VCF-style: chr3-78717648-T-C.
Other names: c.1508A>G, p.Tyr503Cys (NM_001145845.2, NM_133631.4); c.1616A>G (NM_002941.3); short protein forms Y539C, Y503C.
Identifiers: ClinVar variation 596206 (VCV000596206.9), dbSNP rs374558832, ClinGen allele CA2498913.